The following is an entry in ClinVar:

NM_015868.3(KIR2DL3):c.71-4C>T

Gene: KIR2DL3 (killer cell immunoglobulin like receptor, two Ig domains and long cytoplasmic tail 3). Cytogenetic location: 19q13.42.
Variant type: single nucleotide variant.
Coding change: c.71-4C>T on transcript NM_015868.3 (MANE Select); 4 bases into the intron before coding-DNA position 71, C replaced by T.
Molecular consequence: intron variant.
Genome position (GRCh38, 1-based): chr19:54,741,976, C>T. VCF-style: chr19-54741976-C-T. GRCh37 (hg19) VCF-style: chr19-55253422-C-T.
Identifiers: ClinVar variation 161697 (VCV000161697.2), dbSNP rs193921051, ClinGen allele CA174616.

ClinVar aggregate classification (germline): Uncertain significance (0 of 4 stars; one submission).

Conditions:
Prostate cancer. Also called: Malignant tumor of prostate. Identifiers: Orphanet 1331, MedGen C0376358, MONDO:0008315, HP:0012125.

Allele frequency attached by ClinVar (database versions not stated): 1000 Genomes Project 30x 0.12820; gnomAD 0.12190.

Submission:

Science for Life laboratory,  Karolinska Institutet
Classification: Uncertain significance for Malignant tumor of prostate. Review status: no assertion criteria provided. Collection method: not provided. Allele origin: somatic.
Comment: TumorID:SWE-9
ClinVar note: Converted during submission from Unknown to Uncertain significance.